The following is an entry in ClinVar:

ClinVar aggregate classification (germline): Uncertain significance (1 of 4 stars; one submission).

Submission:

GeneDx
Classification: Uncertain significance. Last evaluated: 2017-07-11. Review status: criteria provided, single submitter. Criteria: GeneDx Variant Classification (06012015). Collection method: clinical testing. Allele origin: germline. Affected: yes.
Comment: A variant of uncertain significance has been identified in the TAZ gene. The A265V variant has not been published as pathogenic or been reported as benign to our knowledge. This variant is not observed in large population cohorts (Lek et al., 2016; 1000 Genomes Consortium et al., 2015; Exome Variant Server). However, the A265V variant is a conservative amino acid substitution, which is not likely to impact secondary protein structure as these residues share similar properties. This substitution occurs at a position that is not conserved across species and where valine (V) is present as the wild type in at least one species. Finally, in silico analysis suggests that this variant likely does not alter the protein structure/function.

NM_000116.5(TAFAZZIN):c.794C>T (p.Ala265Val)

Gene: TAFAZZIN (tafazzin, phospholipid-lysophospholipid transacylase; plus strand). Cytogenetic location: Xq28.
Variant type: single nucleotide variant.
Coding change: c.794C>T on transcript NM_000116.5 (MANE Select); coding-DNA position 794, C replaced by T.
Protein change: p.Ala265Val; replaces alanine 265 with valine.
Molecular consequence: missense variant. On other transcripts: non-coding transcript variant (1).
Genome position (GRCh38, 1-based): chrX:154,420,919, C>T. VCF-style: chrX-154420919-C-T. GRCh37 (hg19) VCF-style: chrX-153649258-C-T.
Other names: c.806C>T, p.Ala269Val (NM_001303465.2); c.704C>T, p.Ala235Val (NM_181311.4); c.752C>T, p.Ala251Val (NM_181312.4); c.662C>T, p.Ala221Val (NM_181313.4); short protein forms A265V, A251V, A221V, A235V, A269V.
Identifiers: ClinVar variation 450414 (VCV000450414.2), dbSNP rs994087698, ClinGen allele CA337288912.
Genomic context (GRCh38, chrX:154,420,919, plus strand): 5'-AAGCTTCCCGAGGGGTGCAGGCCATCCCTGGTCCTTTCCCTCAGGTGGAGATGCGGAAAG[C>T]CCTGACGGACTTCATTCAAGAGGAATTCCAGCATCTGAAGACTCAGGCAGAGCAGCTCCA-3'
Protein context (NP_000107.1, residues 255-275): ENKSAVEMRK[Ala265Val]LTDFIQEEFQ